The following is an entry in ClinVar:

NM_000051.4(ATM):c.5300T>G (p.Phe1767Cys)

Gene: ATM (ATM serine/threonine kinase; plus strand). Cytogenetic location: 11q22.3.
Variant type: single nucleotide variant.
Coding change: c.5300T>G on transcript NM_000051.4 (MANE Select); coding-DNA position 5300, T replaced by G.
Protein change: p.Phe1767Cys; replaces phenylalanine 1767 with cysteine.
Molecular consequence: missense variant.
Genome position (GRCh38, 1-based): chr11:108,301,770, T>G. VCF-style: chr11-108301770-T-G. GRCh37 (hg19) VCF-style: chr11-108172497-T-G.
Other names: c.5300T>G, p.Phe1767Cys (NM_001351834.2); short protein forms F1767C.
Identifiers: ClinVar variation 219503 (VCV000219503.28), dbSNP rs864622125, ClinGen allele CA350210.

ClinVar aggregate classification (germline): Uncertain significance. Review status: criteria provided, multiple submitters, no conflicts (2 of 4 stars). 7 submissions from 7 submitters: Uncertain significance (5). 2 of the submissions do not count toward it. Last evaluated 2025-09-05.

Conditions:
Hereditary cancer-predisposing syndrome. Also called: Tumor predisposition; Hereditary Cancer Syndrome; Neoplastic Syndromes, Hereditary; Hereditary neoplastic syndrome. Identifiers: Orphanet 140162, MedGen C0027672, MeSH D009386, MONDO:0015356.
Ataxia-telangiectasia syndrome (AT). Also called: Cerebello-oculocutaneous telangiectasia; Immunodeficiency with ataxia telangiectasia; Ataxia telangiectasia (A-T); LOUIS-BAR SYNDROME; ATAXIA-TELANGIECTASIA, COMPLEMENTATION GROUP A; ATAXIA-TELANGIECTASIA, FRESNO VARIANT. Identifiers: Orphanet 100, MedGen C0004135, MONDO:0008840, OMIM 208900.
Familial cancer of breast. Also called: Hereditary breast cancer; BREAST CANCER, FAMILIAL; hereditary breast carcinoma. Identifiers: Orphanet 227535, MedGen C0346153, MONDO:0016419, OMIM 114480. Disease mechanism: loss of function.

Allele frequency attached by ClinVar (database versions not stated): TOPMed below 0.00001; gnomAD exomes 0.00001.
gnomAD v4.1: 9 of 1,613,686 alleles (0.00056%); highest among the groups gnomAD compares: Non-Finnish European, 0.00076%; no homozygotes.

Submissions (7):

Ambry Genetics
Classification: Uncertain significance for Hereditary cancer-predisposing syndrome. Last evaluated: 2025-09-05. Review status: criteria provided, single submitter. Criteria: Ambry Variant Classification Scheme 2023. Collection method: clinical testing. Allele origin: germline.

Labcorp Genetics (formerly Invitae), Labcorp
Classification: Uncertain significance for Ataxia-telangiectasia syndrome. Last evaluated: 2025-07-27. Review status: criteria provided, single submitter. Criteria: Invitae Variant Classification Sherloc (09022015). Collection method: clinical testing. Allele origin: germline.
Comment: This sequence change replaces phenylalanine, which is neutral and non-polar, with cysteine, which is neutral and slightly polar, at codon 1767 of the ATM protein (p.Phe1767Cys). This variant is not present in population databases (gnomAD no frequency). This variant has not been reported in the literature in individuals affected with ATM-related conditions. ClinVar contains an entry for this variant (Variation ID: 219503). Invitae Evidence Modeling of protein sequence and biophysical properties (such as structural, functional, and spatial information, amino acid conservation, physicochemical variation, residue mobility, and thermodynamic stability) indicates that this missense variant is expected to disrupt ATM protein function with a positive predictive value of 95%. In summary, the available evidence is currently insufficient to determine the role of this variant in disease. Therefore, it has been classified as a Variant of Uncertain Significance.

Color Diagnostics, LLC DBA Color Health
Classification: Uncertain significance for Hereditary cancer-predisposing syndrome. Last evaluated: 2024-03-07. Review status: criteria provided, single submitter. Criteria: ACMG Guidelines, 2015. Collection method: clinical testing. Allele origin: germline.
Comment: This missense variant replaces phenylalanine with cysteine at codon 1767 of the ATM protein. Computational prediction suggests that this variant may have deleterious impact on protein structure and function (internally defined REVEL score threshold >= 0.7, PMID: 27666373). To our knowledge, functional studies have not been reported for this variant. This variant has not been reported in individuals affected with hereditary cancer in the literature. This variant has not been identified in the general population by the Genome Aggregation Database (gnomAD). The available evidence is insufficient to determine the role of this variant in disease conclusively. Therefore, this variant is classified as a Variant of Uncertain Significance.

Baylor Genetics
Classification: Uncertain significance for Familial cancer of breast. Last evaluated: 2023-05-17. Review status: criteria provided, single submitter. Criteria: ACMG Guidelines, 2015. Collection method: clinical testing. Allele origin: unknown.

GeneDx
Classification: Uncertain significance. Last evaluated: 2019-12-06. Review status: criteria provided, single submitter. Criteria: GeneDx Variant Classification Process June 2021. Collection method: clinical testing. Allele origin: germline. Affected: yes.
Comment: Not observed in large population cohorts (Lek et al., 2016); In silico analysis, which includes protein predictors and evolutionary conservation, supports a deleterious effect; Has not been previously published as pathogenic or benign to our knowledge

Natera, Inc.
Classification: Uncertain significance for Ataxia-telangiectasia. Last evaluated: 2020-10-22. Review status: no assertion criteria provided. Collection method: clinical testing. Allele origin: germline. Not counted in ClinVar's aggregate classification.

Department of Pathology and Laboratory Medicine, Sinai Health System
Classification: Uncertain significance for Ataxia-telangiectasia syndrome. Review status: no assertion criteria provided. Collection method: clinical testing. Allele origin: unknown. Affected: yes. Study: The Canadian Open Genetics Repository (COGR). Not counted in ClinVar's aggregate classification.
Comment: The ATM p.Phe1767Cys variant was not identified in the literature nor was it identified in the LOVD 3.0 database. The variant was identified in dbSNP (ID: rs864622125) as "With Uncertain significance allele" and ClinVar (classified as uncertain significance by Invitae). The variant was not identified in the following databases: the Exome Aggregation Consortium (August 8th 2016) or the Genome Aggregation Database (Feb 27, 2017). The p.Phe1767 residue is conserved across mammals and other organisms, and 5 of 5 computational analyses (PolyPhen-2, SIFT, AlignGVGD, BLOSUM, MutationTaster) suggest that the variant may impact the protein; however, this information is not predictive enough to assume pathogenicity. The variant occurs outside of the splicing consensus sequence and in silico or computational prediction software programs (SpliceSiteFinder, MaxEntScan, NNSPLICE, GeneSplicer) do not predict a difference in splicing. In summary, based on the above information, the clinical significance of this variant cannot be determined with certainty at this time. This variant is classified as a variant of uncertain significance